The following is an entry in ClinVar:

NM_000059.4(BRCA2):c.156_157insGCCGGGCGCGGTGGCTCACGCCTGTAATCCCAGCACTTTGGGAGGCCGAGGCGGGCGGATCACGAGGTCAGGAGATCGACACCATCCTGGCTAGCACGGTGAAACCCCATCTCTACTAAAAATACAACAAATTAGCCGGGCGTGGTGGCGGGTGCCTGTAGTCCCAGCTACTCGGGAGGCTGAGGCAGGAGAATGGTGTGAACCTGGGAGACGGAGCTTGCAGTGAGCCGAGATCGCGCCACTGCACTCCAGCCTGGGCGACAGAGTGAGACTCCATCTCAAAAAAAAAAAAAAAAAAAAAAAAAAAAGAATCTGAACAT (p.Lys53delinsAlaGlyArgGlyGlySerArgLeuTer)

Gene: BRCA2 (BRCA2 DNA repair associated; plus strand). Cytogenetic location: 13q13.1.
Variant type: Insertion.
Coding change: c.156_157insGCCGGGCGCGGTGGCTCACGCCTGTAATCCCAGCACTTTGGGAGGCCGAGGCGGGCGGATCACGAGGTCAGGAGATCGACACCATCCTGGCTAGCACGGTGAAACCCCATCTCTACTAAAAATACAACAAATTAGCCGGGCGTGGTGGCGGGTGCCTGTAGTCCCAGCTACTCGGGAGGCTGAGGCAGGAGAATGGTGTGAACCTGGGAGACGGAGCTTGCAGTGAGCCGAGATCGCGCCACTGCACTCCAGCCTGGGCGACAGAGTGAGACTCCATCTCAAAAAAAAAAAAAAAAAAAAAAAAAAAAGAATCTGAACAT on transcript NM_000059.4 (MANE Select); coding-DNA positions 156 to 157, GCCGGGCGCGGTGGCTCACGCCTGTAATCCCAGCACTTTGGGAGGCCGAGGCGGGCGGATCACGAGGTCAGGAGATCGACACCATCCTGGCTAGCACGGTGAAACCCCATCTCTACTAAAAATACAACAAATTAGCCGGGCGTGGTGGCGGGTGCCTGTAGTCCCAGCTACTCGGGAGGCTGAGGCAGGAGAATGGTGTGAACCTGGGAGACGGAGCTTGCAGTGAGCCGAGATCGCGCCACTGCACTCCAGCCTGGGCGACAGAGTGAGACTCCATCTCAAAAAAAAAAAAAAAAAAAAAAAAAAAAGAATCTGAACAT inserted.
Protein change: p.Lys53delinsAlaGlyArgGlyGlySerArgLeuTer.
Molecular consequence: nonsense.
Genome position: GRCh38: chr13:32,319,165-32,319,166. GRCh37 (hg19): chr13:32,893,302-32,893,303.
Other names: c.156_157insGCCGGGCGCGGTGGCTCACGCCTGTAATCCCAGCACTTTGGGAGGCCGAGGCGGGCGGATCACGAGGTCAGGAGATCGACACCATCCTGGCTAGCACGGTGAAACCCCATCTCTACTAAAAATACAACAAATTAGCCGGGCGTGGTGGCGGGTGCCTGTAGTCCCAGCTACTCGGGAGGCTGAGGCAGGAGAATGGTGTGAACCTGGGAGACGGAGCTTGCAGTGAGCCGAGATCGCGCCACTGCACTCCAGCCTGGGCGACAGAGTGAGACTCCATCTCAAAAAAAAAAAAAAAAAAAAAAAAAAAAGAATCTGAACAT (NM_000059.3).
Identifiers: ClinVar variation 1069017 (VCV001069017.8), dbSNP rs2138704192, ClinGen allele CA2499222018.

ClinVar aggregate classification (germline): Pathogenic. Review status: criteria provided, multiple submitters, no conflicts (2 of 4 stars). 2 submissions from 2 submitters: Pathogenic (2). Last evaluated 2017-10-10.

Conditions:
BRCA2-related cancer predisposition. Identifiers: MedGen CN377758, MONDO:0700269.
Hereditary breast ovarian cancer syndrome. Also called: Breast and ovarian cancer; BRCA1- and BRCA2-Associated Hereditary Breast and Ovarian Cancer; Hereditary breast and ovarian cancer syndrome; Hereditary breast and/or ovarian cancer syndrome; Hereditary breast and ovarian cancer; Hereditary breast and ovarian cancer syndrome (HBOC). Identifiers: Orphanet 145, MedGen C0677776, MeSH D061325, MONDO:0003582. Disease mechanism: loss of function.

Submissions (2):

Labcorp Genetics (formerly Invitae), Labcorp
Classification: Pathogenic for Hereditary breast ovarian cancer syndrome. Last evaluated: 2017-10-10. Review status: criteria provided, single submitter. Criteria: Invitae Variant Classification Sherloc (09022015). Collection method: clinical testing. Allele origin: germline.
Comment: For these reasons, this variant has been classified as Pathogenic. Exon 3 contains two transcription-activating regions, and is required for BRCA2 phosphorylation (PMID: 9126734, 10980621). Loss-of-function variants in BRCA2 are known to be pathogenic. This particular variant is clearly defined as a breast and/or ovarian cancer causative allele and is a common cause of cancer in individuals of Portuguese ancestry (PMID: 17513806, 18363094, 20652400, 22829013). This sequence change is an Alu-mediated insertion in exon 3 of the BRCA2 mRNA (c.156_157insAlu) causing a frameshift at codon 53 (p.Lys53Alafs). Experimental studies have shown that this insertion causes alternative splicing of BRCA2, leading to an in-frame skipping of exon 3 (PMID: 18363094, 16088935).

Department of Pathology and Laboratory Medicine, Sinai Health System
Classification: Pathogenic for BRCA2-related cancer predisposition. Last evaluated: 2016-12-01. Review status: criteria provided, single submitter. Criteria: ACMG Guidelines, 2015. Collection method: clinical testing. Allele origin: germline. Affected: no.

Literature cited by the submitters: PubMed 9126734 (cited by Labcorp Genetics (formerly Invitae), Labcorp); PubMed 10980621 (cited by Labcorp Genetics (formerly Invitae), Labcorp); PubMed 17513806 (cited by Labcorp Genetics (formerly Invitae), Labcorp); PubMed 18363094 (cited by Labcorp Genetics (formerly Invitae), Labcorp and Department of Pathology and Laboratory Medicine, Sinai Health System); PubMed 20652400 (cited by Labcorp Genetics (formerly Invitae), Labcorp and Department of Pathology and Laboratory Medicine, Sinai Health System); PubMed 22829013 (cited by Labcorp Genetics (formerly Invitae), Labcorp and Department of Pathology and Laboratory Medicine, Sinai Health System); PubMed 16088935 (cited by Labcorp Genetics (formerly Invitae), Labcorp and Department of Pathology and Laboratory Medicine, Sinai Health System); PubMed 27081505 (cited by Department of Pathology and Laboratory Medicine, Sinai Health System).